The following is an entry in ClinVar:

ClinVar aggregate classification (germline): Uncertain significance. Review status: criteria provided, multiple submitters, no conflicts (2 of 4 stars). 2 submissions from 2 submitters: Uncertain significance (2). Last evaluated 2022-10-01.

Conditions:
Hereditary cancer-predisposing syndrome. Also called: Hereditary neoplastic syndrome; Neoplastic Syndromes, Hereditary; Tumor predisposition; Hereditary Cancer Syndrome. Identifiers: Orphanet 140162, MedGen C0027672, MeSH D009386, MONDO:0015356.

Allele frequency attached by ClinVar (database versions not stated): TOPMed below 0.00001.

Submissions (2):

CeGaT Center for Human Genetics Tuebingen
Classification: Uncertain significance. Last evaluated: 2022-10-01. Review status: criteria provided, single submitter. Criteria: CeGaT Center For Human Genetics Tuebingen Variant Classification Criteria Version 2. Collection method: clinical testing. Allele origin: germline. Affected: yes. Observed: 1 variant allele.
Comment: EPCAM: PM2, BP4

Ambry Genetics
Classification: Uncertain significance for Hereditary cancer-predisposing syndrome. Last evaluated: 2022-04-24. Review status: criteria provided, single submitter. Criteria: Ambry Variant Classification Scheme 2023. Collection method: clinical testing. Allele origin: germline.
Comment: The p.N189S variant (also known as c.566A>G), located in coding exon 6 of the EPCAM gene, results from an A to G substitution at nucleotide position 566. The asparagine at codon 189 is replaced by serine, an amino acid with highly similar properties. This amino acid position is conserved. In addition, this alteration is predicted to be tolerated by in silico analysis. Since supporting evidence is limited at this time, the clinical significance of this alteration remains unclear.

NM_002354.3(EPCAM):c.566A>G (p.Asn189Ser)

Gene: EPCAM (epithelial cell adhesion molecule; plus strand). Cytogenetic location: 2p21.
Variant type: single nucleotide variant.
Coding change: c.566A>G on transcript NM_002354.3 (MANE Select); coding-DNA position 566, A replaced by G.
Protein change: p.Asn189Ser; replaces asparagine 189 with serine.
Molecular consequence: missense variant.
Genome position (GRCh38, 1-based): chr2:47,378,963, A>G. VCF-style: chr2-47378963-A-G. GRCh37 (hg19) VCF-style: chr2-47606102-A-G.
Other names: short protein forms N189S.
Identifiers: ClinVar variation 1748945 (VCV001748945.31), dbSNP rs1197186805, ClinGen allele CA346724111.